The following is an entry in ClinVar:

NM_000465.4(BARD1):c.85G>A (p.Asp29Asn)

Gene: BARD1 (BRCA1 associated RING domain 1; minus strand). Cytogenetic location: 2q35.
Variant type: single nucleotide variant.
Coding change: c.85G>A on transcript NM_000465.4 (MANE Select); coding-DNA position 85, G replaced by A.
Protein change: p.Asp29Asn; replaces aspartic acid 29 with asparagine.
Molecular consequence: missense variant. On other transcripts: non-coding transcript variant (3).
Genome position (GRCh38, 1-based): chr2:214,809,485, C>T on the plus strand (G>A on the coding strand, the complement: BARD1 is on the minus strand). VCF-style: chr2-214809485-C-T. GRCh37 (hg19) VCF-style: chr2-215674209-C-T.
Other names: c.85G>A, p.Asp29Asn (NM_001282543.2, NM_001282545.2, NM_001282548.2 and 1 more transcripts); short protein forms D29N.
Identifiers: ClinVar variation 530048 (VCV000530048.14), dbSNP rs1553628425, ClinGen allele CA350465112.
Genomic context (GRCh38, chr2:214,809,485, plus strand): 5'-GCAGCAGCTTCTCCAGGCGGTCGAGCGCGGCGCGACTGTGGGCCCAGGCACCGCGACCAT[C>T]CGGTTCCATGGCGGGCGCGGAACGAGGCTCGTTCCCGGAGCGGATCCTCGGCTGCCGGTT-3'
Protein context (NP_000456.2, residues 19-39): EPRSAPAMEP[Asp29Asn]GRGAWAHSRA

ClinVar aggregate classification (germline): Uncertain significance. Review status: criteria provided, multiple submitters, no conflicts (2 of 4 stars). 2 submissions from 2 submitters: Uncertain significance (2). Last evaluated 2023-04-10.

Conditions:
Hereditary cancer-predisposing syndrome. Also called: Hereditary neoplastic syndrome; Neoplastic Syndromes, Hereditary; Hereditary Cancer Syndrome; Tumor predisposition. Identifiers: Orphanet 140162, MedGen C0027672, MeSH D009386, MONDO:0015356.
Familial cancer of breast. Also called: BREAST CANCER, FAMILIAL; Hereditary breast cancer; hereditary breast carcinoma. Identifiers: Orphanet 227535, MedGen C0346153, MONDO:0016419, OMIM 114480. Disease mechanism: loss of function.

Submissions (2):

Labcorp Genetics (formerly Invitae), Labcorp
Classification: Uncertain significance for Familial cancer of breast. Last evaluated: 2023-04-10. Review status: criteria provided, single submitter. Criteria: Invitae Variant Classification Sherloc (09022015). Collection method: clinical testing. Allele origin: germline.
Comment: ClinVar contains an entry for this variant (Variation ID: 530048). This variant has not been reported in the literature in individuals affected with BARD1-related conditions. An algorithm developed to predict the effect of missense changes on protein structure and function (PolyPhen-2) suggests that this variant is likely to be tolerated. In summary, the available evidence is currently insufficient to determine the role of this variant in disease. Therefore, it has been classified as a Variant of Uncertain Significance. This variant is not present in population databases (gnomAD no frequency). This sequence change replaces aspartic acid, which is acidic and polar, with asparagine, which is neutral and polar, at codon 29 of the BARD1 protein (p.Asp29Asn).

Ambry Genetics
Classification: Uncertain significance for Hereditary cancer-predisposing syndrome. Last evaluated: 2019-12-18. Review status: criteria provided, single submitter. Criteria: Ambry Variant Classification Scheme 2023. Collection method: clinical testing. Allele origin: germline.
Comment: The p.D29N variant (also known as c.85G>A), located in coding exon 1 of the BARD1 gene, results from a G to A substitution at nucleotide position 85. The aspartic acid at codon 29 is replaced by asparagine, an amino acid with highly similar properties. This amino acid position is poorly conserved in available vertebrate species. In addition, this alteration is predicted to be tolerated by in silico analysis. Since supporting evidence is limited at this time, the clinical significance of this alteration remains unclear.